The following is an entry in ClinVar:

NM_004655.4(AXIN2):c.2214C>T (p.Ser738=)

Gene: AXIN2 (axin 2; minus strand). Cytogenetic location: 17q24.1.
Variant type: single nucleotide variant.
Coding change: c.2214C>T on transcript NM_004655.4 (MANE Select); coding-DNA position 2214, C replaced by T.
Protein change: p.Ser738=; no amino-acid change (serine 738 retained).
Molecular consequence: synonymous variant.
Genome position (GRCh38, 1-based): chr17:65,535,649, G>A on the plus strand (C>T on the coding strand, the complement: AXIN2 is on the minus strand). VCF-style: chr17-65535649-G-A. GRCh37 (hg19) VCF-style: chr17-63531767-G-A.
Other names: c.2019C>T, p.Ser673= (NM_001363813.1).
Identifiers: ClinVar variation 1692853 (VCV001692853.5), dbSNP rs2144432594, ClinGen allele CA501476063.

ClinVar aggregate classification (germline): Benign/Likely benign. Review status: criteria provided, multiple submitters, no conflicts (2 of 4 stars). 4 submissions from 4 submitters: Benign (1); Likely benign (3). Last evaluated 2025-04-03.

Conditions:
Hereditary cancer-predisposing syndrome. Also called: Hereditary neoplastic syndrome; Tumor predisposition; Neoplastic Syndromes, Hereditary; Hereditary Cancer Syndrome. Identifiers: Orphanet 140162, MedGen C0027672, MeSH D009386, MONDO:0015356.
Oligodontia-cancer predisposition syndrome. Also called: TOOTH AGENESIS-COLORECTAL CANCER SYNDROME. Identifiers: Orphanet 300576, MedGen C1837750, MONDO:0012075, OMIM 608615. Disease mechanism: loss of function.

Submissions (4):

Labcorp Genetics (formerly Invitae), Labcorp
Classification: Likely benign for Oligodontia-cancer predisposition syndrome. Last evaluated: 2025-04-03. Review status: criteria provided, single submitter. Criteria: Invitae Variant Classification Sherloc (09022015). Collection method: clinical testing. Allele origin: germline.

Myriad Genetics, Inc.
Classification: Benign for Oligodontia-cancer predisposition syndrome. Last evaluated: 2024-07-10. Review status: criteria provided, single submitter. Criteria: Myriad Autosomal Dominant, Autosomal Recessive and X-Linked Classification Criteria (2023). Collection method: clinical testing. Allele origin: unknown.
Comment: This variant is considered benign. This variant is a silent/synonymous amino acid change and it is not expected to impact splicing.

Sema4
Classification: Likely benign for Hereditary cancer-predisposing syndrome. Last evaluated: 2022-03-03. Review status: criteria provided, single submitter. Criteria: Sema4 Curation Guidelines. Collection method: curation. Allele origin: germline.

Ambry Genetics
Classification: Likely benign for Hereditary cancer-predisposing syndrome. Last evaluated: 2019-09-09. Review status: criteria provided, single submitter. Criteria: Ambry Variant Classification Scheme 2023. Collection method: clinical testing. Allele origin: germline.